The following is an entry in ClinVar:

NM_021930.6(RINT1):c.252T>A (p.Ser84Arg)

Gene: RINT1 (RAD50 interactor 1; plus strand). Cytogenetic location: 7q22.3.
Variant type: single nucleotide variant.
Coding change: c.252T>A on transcript NM_021930.6 (MANE Select); coding-DNA position 252, T replaced by A.
Protein change: p.Ser84Arg; replaces serine 84 with arginine.
Molecular consequence: missense variant. On other transcripts: 5 prime UTR variant (3), non-coding transcript variant (1), intron variant (1).
Genome position (GRCh38, 1-based): chr7:105,536,728, T>A. VCF-style: chr7-105536728-T-A. GRCh37 (hg19) VCF-style: chr7-105177175-T-A.
Other names: c.-768T>A (NM_001346600.2); c.-671T>A (NM_001346601.2); c.252T>A (NM_021930.4); c.-291T>A (NM_001346603.2); c.39+116T>A (NM_001346599.2); short protein forms S84R.
Identifiers: ClinVar variation 1059561 (VCV001059561.10), dbSNP rs1790251758, ClinGen allele CA368800712.

ClinVar aggregate classification (germline): Uncertain significance. Review status: criteria provided, multiple submitters, no conflicts (2 of 4 stars). 2 submissions from 2 submitters: Uncertain significance (2). Last evaluated 2024-07-31.

Submissions (2):

Ambry Genetics
Classification: Uncertain significance. Last evaluated: 2024-07-31. Review status: criteria provided, single submitter. Criteria: Ambry Variant Classification Scheme 2023. Collection method: clinical testing. Allele origin: germline.
Comment: The p.S84R variant (also known as c.252T>A), located in coding exon 3 of the RINT1 gene, results from a T to A substitution at nucleotide position 252. The serine at codon 84 is replaced by arginine, an amino acid with dissimilar properties. This amino acid position is conserved. In addition, this alteration is predicted to be tolerated by in silico analysis. Based on the available evidence, the clinical significance of this variant remains unclear.

Labcorp Genetics (formerly Invitae), Labcorp
Classification: Uncertain significance. Last evaluated: 2020-09-24. Review status: criteria provided, single submitter. Criteria: Invitae Variant Classification Sherloc (09022015). Collection method: clinical testing. Allele origin: germline.
Comment: This sequence change replaces serine with arginine at codon 84 of the RINT1 protein (p.Ser84Arg). The serine residue is weakly conserved and there is a moderate physicochemical difference between serine and arginine. This variant is not present in population databases (ExAC no frequency). This variant has not been reported in the literature in individuals with RINT1-related conditions. Algorithms developed to predict the effect of missense changes on protein structure and function (SIFT, PolyPhen-2, Align-GVGD) all suggest that this variant is likely to be tolerated, but these predictions have not been confirmed by published functional studies and their clinical significance is uncertain. In summary, the available evidence is currently insufficient to determine the role of this variant in disease. Therefore, it has been classified as a Variant of Uncertain Significance.